The following is an entry in ClinVar:

NM_001365902.3(NFIX):c.622+8C>G

Gene: NFIX (nuclear factor I X; plus strand). Cytogenetic location: 19p13.13.
Variant type: single nucleotide variant.
Coding change: c.622+8C>G on transcript NM_001365902.3 (MANE Select); 8 bases into the intron after coding-DNA position 622, C replaced by G.
Molecular consequence: intron variant.
Genome position (GRCh38, 1-based): chr19:13,073,117, C>G. VCF-style: chr19-13073117-C-G. GRCh37 (hg19) VCF-style: chr19-13183931-C-G.
Other names: c.622+8C>G (NM_002501.3, NM_002501.4, NM_001365982.2); c.598+8C>G (NM_001378404.1, NM_001271044.3); c.670+8C>G (NM_001378405.1); c.481+8C>G (NM_001365983.2); c.646+8C>G (NM_001271043.2); c.619+8C>G (NM_001365984.2, NM_001365985.2).
Identifiers: ClinVar variation 2147384 (VCV002147384.5), dbSNP rs766562818, ClinGen allele CA9237013.
Genomic context (GRCh38, chr19:13,073,117, plus strand): 5'-ATCAGATAGTTCAAACCAGCAAGGAGATGCGGACATCAAACCACTGCCCAACGGTCAGTG[C>G]CCCCCACCTGCCCAGCTGCCCTTATCCTTCATGCCCCTCCACTTCCTTCCCCCACCCTGG-3'

ClinVar aggregate classification (germline): Benign/Likely benign. Review status: criteria provided, multiple submitters, no conflicts (2 of 4 stars). 2 submissions from 2 submitters: Benign (1); Likely benign (1). Last evaluated 2026-04-12.

Conditions:
NFIX-related disorder. Also called: NFIX-related condition.
Malan overgrowth syndrome (MALNS). Also called: NFIX-Related Malan Syndrome; Sotos syndrome 2; MALAN SYNDROME. Identifiers: Orphanet 420179, MedGen C3553660, MONDO:0013885, OMIM 614753.
Marshall-Smith syndrome (MRSHSS). Identifiers: Orphanet 561, MedGen C0265211, MONDO:0011244, OMIM 602535.

Allele frequency attached by ClinVar (database versions not stated): gnomAD 0.00010; 1000 Genomes Project 30x 0.00031.
gnomAD v4.1: 23 of 1,612,888 alleles (0.0014%); highest among the groups gnomAD compares: African/African-American, 0.02%; no homozygotes.

Submissions (2):

PreventionGenetics, part of Exact Sciences
Classification: Likely benign for NFIX-related condition. Last evaluated: 2026-04-12. Review status: criteria provided, single submitter. Criteria: ACMG Guidelines, 2015. Collection method: clinical testing. Allele origin: germline.
Comment: This variant is classified as likely benign based on ACMG/AMP sequence variant interpretation guidelines (Richards et al. 2015 PMID: 25741868, with internal and published modifications).

Labcorp Genetics (formerly Invitae), Labcorp
Classification: Benign for Malan overgrowth syndrome; Marshall-Smith syndrome. Last evaluated: 2025-06-04. Review status: criteria provided, single submitter. Criteria: Invitae Variant Classification Sherloc (09022015). Collection method: clinical testing. Allele origin: germline.